The following is an entry in ClinVar:

NM_005458.8(GABBR2):c.890C>G (p.Ala297Gly)

Gene: GABBR2 (gamma-aminobutyric acid type B receptor subunit 2; minus strand). Cytogenetic location: 9q22.33.
Variant type: single nucleotide variant.
Coding change: c.890C>G on transcript NM_005458.8 (MANE Select); coding-DNA position 890, C replaced by G.
Protein change: p.Ala297Gly; replaces alanine 297 with glycine.
Molecular consequence: missense variant.
Genome position (GRCh38, 1-based): chr9:98,473,255, G>C on the plus strand (C>G on the coding strand, the complement: GABBR2 is on the minus strand). VCF-style: chr9-98473255-G-C. GRCh37 (hg19) VCF-style: chr9-101235537-G-C.
Other names: short protein forms A297G.
Identifiers: ClinVar variation 854987 (VCV000854987.10), dbSNP rs1329465359, ClinGen allele CA374351462.

ClinVar aggregate classification (germline): Uncertain significance (1 of 4 stars; one submission).

Conditions:
Epileptic encephalopathy. Identifiers: MedGen C0543888, HP:0200134.

Allele frequency attached by ClinVar (database versions not stated): TOPMed 0.00001.
gnomAD v4.1: 2 of 1,613,442 alleles (0.00012%); highest among the groups gnomAD compares: Non-Finnish European, 0.00017%; no homozygotes.

Submission:

Labcorp Genetics (formerly Invitae), Labcorp
Classification: Uncertain significance for Epileptic encephalopathy. Last evaluated: 2019-12-13. Review status: criteria provided, single submitter. Criteria: Invitae Variant Classification Sherloc (09022015). Collection method: clinical testing. Allele origin: germline.
Comment: In summary, the available evidence is currently insufficient to determine the role of this variant in disease. Therefore, it has been classified as a Variant of Uncertain Significance. Algorithms developed to predict the effect of missense changes on protein structure and function output the following: SIFT: "Tolerated"; PolyPhen-2: "Benign"; Align-GVGD: "Class C0". The glycine amino acid residue is found in multiple mammalian species, suggesting that this missense change does not adversely affect protein function. These predictions have not been confirmed by published functional studies and their clinical significance is uncertain. This variant has not been reported in the literature in individuals with GABBR2-related conditions. This variant is not present in population databases (ExAC no frequency). This sequence change replaces alanine with glycine at codon 297 of the GABBR2 protein (p.Ala297Gly). The alanine residue is moderately conserved and there is a small physicochemical difference between alanine and glycine.